The following is an entry in ClinVar:

NM_001040108.2(MLH3):c.3586G>T (p.Asp1196Tyr)

Gene: MLH3 (mutL homolog 3; minus strand). Cytogenetic location: 14q24.3.
Variant type: single nucleotide variant.
Coding change: c.3586G>T on transcript NM_001040108.2 (MANE Select); coding-DNA position 3586, G replaced by T.
Protein change: p.Asp1196Tyr; replaces aspartic acid 1196 with tyrosine.
Molecular consequence: missense variant.
Genome position (GRCh38, 1-based): chr14:75,038,397, C>A on the plus strand (G>T on the coding strand, the complement: MLH3 is on the minus strand). VCF-style: chr14-75038397-C-A. GRCh37 (hg19) VCF-style: chr14-75505100-C-A.
Other names: c.3586G>T, p.Asp1196Tyr (NM_014381.3); short protein forms D1196Y.
Identifiers: ClinVar variation 1522695 (VCV001522695.6), dbSNP rs1891569856, ClinGen allele CA390427248.

ClinVar aggregate classification (germline): Uncertain significance (1 of 4 stars; one submission).

Conditions:
Colorectal cancer, hereditary nonpolyposis, type 7. Identifiers: Orphanet 144, MedGen C1858380, MONDO:0013725, OMIM 614385.

Allele frequency attached by ClinVar (database versions not stated): TOPMed below 0.00001; gnomAD 0.00001.
gnomAD v4.1: 1 of 1,612,672 alleles (0.000062%); highest among the groups gnomAD compares: Non-Finnish European, 0.000085%; no homozygotes.

Submission:

Labcorp Genetics (formerly Invitae), Labcorp
Classification: Uncertain significance for Colorectal cancer, hereditary nonpolyposis, type 7. Last evaluated: 2021-10-04. Review status: criteria provided, single submitter. Criteria: Invitae Variant Classification Sherloc (09022015). Collection method: clinical testing. Allele origin: germline.
Comment: This variant is not present in population databases (ExAC no frequency). This sequence change replaces aspartic acid with tyrosine at codon 1196 of the MLH3 protein (p.Asp1196Tyr). The aspartic acid residue is highly conserved and there is a large physicochemical difference between aspartic acid and tyrosine. This variant has not been reported in the literature in individuals affected with MLH3-related conditions. In summary, the available evidence is currently insufficient to determine the role of this variant in disease. Therefore, it has been classified as a Variant of Uncertain Significance. Algorithms developed to predict the effect of missense changes on protein structure and function (SIFT, PolyPhen-2, Align-GVGD) all suggest that this variant is likely to be disruptive.